The following is an entry in ClinVar:

ClinVar aggregate classification (germline): Uncertain significance. Review status: criteria provided, multiple submitters, no conflicts (2 of 4 stars). 2 submissions from 2 submitters: Uncertain significance (2). Last evaluated 2021-09-01.

Conditions:
Leber congenital amaurosis 8 (LCA8). Identifiers: Orphanet 65, MedGen C3151202, MONDO:0013453, OMIM 613835.
Retinitis pigmentosa 12 (RP12). Also called: RP WITH OR WITHOUT PPRPE; RP WITH OR WITHOUT PRESERVED PARAARTERIOLE RETINAL PIGMENT EPITHELIUM; RETINITIS PIGMENTOSA WITH OR WITHOUT PARAARTERIOLAR PRESERVATION OF RETINAL PIGMENT EPITHELIUM. Identifiers: Orphanet 791, MedGen C1838647, MONDO:0010818, OMIM 600105.

Allele frequency attached by ClinVar (database versions not stated): gnomAD exomes below 0.00001; TOPMed below 0.00001.
gnomAD v4.1: 3 of 1,614,212 alleles (0.00019%); highest among the groups gnomAD compares: Non-Finnish European, 0.00025%; no homozygotes.

Submissions (2):

Labcorp Genetics (formerly Invitae), Labcorp
Classification: Uncertain significance for Leber congenital amaurosis 8; Retinitis pigmentosa 12. Last evaluated: 2021-09-01. Review status: criteria provided, single submitter. Criteria: Invitae Variant Classification Sherloc (09022015). Collection method: clinical testing. Allele origin: germline.
Comment: This sequence change replaces threonine with isoleucine at codon 59 of the CRB1 protein (p.Thr59Ile). The threonine residue is moderately conserved and there is a moderate physicochemical difference between threonine and isoleucine. This variant is not present in population databases (ExAC no frequency). This variant has not been reported in the literature in individuals affected with CRB1-related conditions. Advanced modeling of protein sequence and biophysical properties (such as structural, functional, and spatial information, amino acid conservation, physicochemical variation, residue mobility, and thermodynamic stability) performed at Invitae indicates that this missense variant is not expected to disrupt CRB1 protein function. In summary, the available evidence is currently insufficient to determine the role of this variant in disease. Therefore, it has been classified as a Variant of Uncertain Significance.

Blueprint Genetics
Classification: Uncertain significance. Last evaluated: 2018-07-11. Review status: criteria provided, single submitter. Criteria: ACMG Guidelines, 2015. Collection method: clinical testing. Allele origin: germline.

NM_201253.3(CRB1):c.176C>T (p.Thr59Ile)

Gene: CRB1 (crumbs cell polarity complex component 1; plus strand). Cytogenetic location: 1q31.3.
Variant type: single nucleotide variant.
Coding change: c.176C>T on transcript NM_201253.3 (MANE Select); coding-DNA position 176, C replaced by T.
Protein change: p.Thr59Ile; replaces threonine 59 with isoleucine.
Molecular consequence: missense variant. On other transcripts: 5 prime UTR variant (1), non-coding transcript variant (2).
Genome position (GRCh38, 1-based): chr1:197,328,527, C>T. VCF-style: chr1-197328527-C-T. GRCh37 (hg19) VCF-style: chr1-197297657-C-T.
Other names: c.176C>T, p.Thr59Ile (NM_001193640.2, NM_001257966.2); c.-32C>T (NM_001257965.2); short protein forms T59I.
Identifiers: ClinVar variation 1059731 (VCV001059731.7), dbSNP rs1284729199, ClinGen allele CA344085198.
Genomic context (GRCh38, chr1:197,328,527, plus strand): 5'-GCCAAAACAATTCTACATGCAAAGATTTTTCAAAAGACAATGATTGTTCTTGTTCAGACA[C>T]AGCCAATAATTTGGACAAAGACTGTGACAACATGAAAGACCCTTGCTTCTCCAATCCCTG-3'
Protein context (NP_957705.1, residues 49-69): SKDNDCSCSD[Thr59Ile]ANNLDKDCDN